The following is an entry in ClinVar:

ClinVar aggregate classification (germline): Pathogenic. Review status: criteria provided, multiple submitters, no conflicts (2 of 4 stars). 3 submissions from 3 submitters: Pathogenic (2). 1 of the submissions does not count toward it. Last evaluated 2024-03-13.

Conditions:
Congenital secretory diarrhea, chloride type (DIAR1). Also called: CHLORIDE DIARRHEA, CONGENITAL, FINNISH TYPE; DIARRHEA 1, SECRETORY CHLORIDE, CONGENITAL; CHLORIDORRHEA, CONGENITAL. Identifiers: Orphanet 53689, MedGen C0267662, MONDO:0008964, OMIM 214700.

Allele frequency attached by ClinVar (database versions not stated): TOPMed 0.00001.
gnomAD v4.1: 56 of 1,612,456 alleles (0.0035%); highest among the groups gnomAD compares: Non-Finnish European, 0.0046%; no homozygotes.

Submissions (3):

Labcorp Genetics (formerly Invitae), Labcorp
Classification: Pathogenic. Last evaluated: 2024-03-13. Review status: criteria provided, single submitter. Criteria: Invitae Variant Classification Sherloc (09022015). Collection method: clinical testing. Allele origin: germline.
Comment: This sequence change affects an acceptor splice site in intron 5 of the SLC26A3 gene. It is expected to disrupt RNA splicing. Variants that disrupt the donor or acceptor splice site typically lead to a loss of protein function (PMID: 16199547), and loss-of-function variants in SLC26A3 are known to be pathogenic (PMID: 9718329, 21394828). This variant is present in population databases (rs386833485, gnomAD 0.002%). Disruption of this splice site has been observed in individuals with congenital chloride diarrhea (PMID: 9718329). This variant is also known as IVS5-1G>T. ClinVar contains an entry for this variant (Variation ID: 56004). Algorithms developed to predict the effect of sequence changes on RNA splicing suggest that this variant may disrupt the consensus splice site. For these reasons, this variant has been classified as Pathogenic.

Genetics and Molecular Pathology, SA Pathology
Classification: Pathogenic for Congenital secretory diarrhea, chloride type. Last evaluated: 2022-07-05. Review status: criteria provided, single submitter. Criteria: ACMG Guidelines, 2015. Collection method: clinical testing. Allele origin: germline. Inheritance: Autosomal recessive inheritance. Affected: yes.

Juha Muilu Group; Institute for Molecular Medicine Finland (FIMM)
Classification: Likely pathogenic for Congenital secretory diarrhea, chloride type. Review status: no assertion criteria provided. Collection method: not provided. Allele origin: unknown. Not counted in ClinVar's aggregate classification.
Comment: FinDis database variant: This variant was not found or characterized by our laboratory, data were collected from public sources: see reference
ClinVar note: Converted during submission from probable-pathogenic to Likely pathogenic.

Literature cited by the submitters: PubMed 16199547 (cited by Labcorp Genetics (formerly Invitae), Labcorp); PubMed 9718329 (cited by Labcorp Genetics (formerly Invitae), Labcorp); PubMed 21394828 (cited by Labcorp Genetics (formerly Invitae), Labcorp).

NM_000111.3(SLC26A3):c.571-1G>T

Gene: SLC26A3 (solute carrier family 26 member 3; minus strand). Cytogenetic location: 7q22.3.
Variant type: single nucleotide variant.
Coding change: c.571-1G>T on transcript NM_000111.3 (MANE Select); the canonical splice acceptor site of the intron before coding-DNA position 571, G replaced by T.
Molecular consequence: splice acceptor variant.
Genome position (GRCh38, 1-based): chr7:107,789,689, C>A on the plus strand (G>T on the coding strand, the complement: SLC26A3 is on the minus strand). VCF-style: chr7-107789689-C-A. GRCh37 (hg19) VCF-style: chr7-107430134-C-A.
Identifiers: ClinVar variation 56004 (VCV000056004.10), dbSNP rs386833485, ClinGen allele CA144107.